The following is an entry in ClinVar:

NC_000023.10:g.(?_31697472)_(31697723_?)dup

Gene: DMD (dystrophin; minus strand). Cytogenetic location: Xp21.1.
Variant type: Duplication.
Identifiers: ClinVar variation 1511041 (VCV001511041.6).

ClinVar aggregate classification (germline): Pathogenic (1 of 4 stars; one submission).

Conditions:
Duchenne muscular dystrophy (DMD). Also called: Duchenne Muscular Dystrophy (DMD); MUSCULAR DYSTROPHY, PSEUDOHYPERTROPHIC PROGRESSIVE, DUCHENNE TYPE. Identifiers: Orphanet 98896, MedGen C0013264, MONDO:0010679, OMIM 310200.

Submission:

Labcorp Genetics (formerly Invitae), Labcorp
Classification: Pathogenic for Duchenne muscular dystrophy. Last evaluated: 2023-10-13. Review status: criteria provided, single submitter. Criteria: Invitae Variant Classification Sherloc (09022015). Collection method: clinical testing. Allele origin: germline.
Comment: This variant results in a copy number gain of the genomic region encompassing exon(s) 53 of the DMD gene. While the exact position of this variant cannot be determined from the data, sub-genic copy number gains are generally in tandem (PMID: 25640679). This variant is predicted to be out-of-frame, and may result in an absent or disrupted protein product. Loss-of-function variants in DMD are known to be pathogenic (PMID: 16770791, 25007885). A similar copy number variant has been observed in individual(s) with Duchenne or Becker muscular dystrophy (PMID: 16030524, 16917894; Invitae). For these reasons, this variant has been classified as Pathogenic.

Literature cited by the submitters: PubMed 25640679; PubMed 16770791; PubMed 25007885; PubMed 16030524; PubMed 16917894.